The following is an entry in ClinVar:

ClinVar aggregate classification (germline): Uncertain significance. Review status: criteria provided, multiple submitters, no conflicts (2 of 4 stars). 3 submissions from 3 submitters: Uncertain significance (3). Last evaluated 2026-09-23.

Conditions:
ALK-related disorder. Also called: ALK-related condition.
Neuroblastoma, susceptibility to, 3. Also called: ALK-Related Neuroblastic Tumor Susceptibility. Identifiers: Orphanet 635, MedGen C2751681, MONDO:0013083, OMIM 613014.
Hereditary cancer-predisposing syndrome. Also called: Neoplastic Syndromes, Hereditary; Tumor predisposition; Hereditary neoplastic syndrome; Hereditary Cancer Syndrome. Identifiers: Orphanet 140162, MedGen C0027672, MeSH D009386, MONDO:0015356.

Allele frequency attached by ClinVar (database versions not stated): gnomAD 0.00001; TOPMed 0.00001.
gnomAD v4.1: 2 of 1,613,408 alleles (0.00012%); highest among the groups gnomAD compares: Non-Finnish European, 0.00017%; no homozygotes.

Submissions (3):

PreventionGenetics, part of Exact Sciences
Classification: Uncertain significance for ALK-related condition. Last evaluated: 2026-09-23. Review status: criteria provided, single submitter. Criteria: ACMG Guidelines, 2015. Collection method: clinical testing. Allele origin: germline.
Comment: The ALK c.3644C>A variant is predicted to result in the amino acid substitution p.Pro1215Gln. To our knowledge, this variant has not been reported in the literature. This variant is reported in 0.00089% of alleles in individuals of European (Non-Finnish) descent in gnomAD and is reported as uncertain in ClinVar (Variation ID: 645965). At this time, the clinical significance of this variant is uncertain due to the absence of conclusive functional and genetic evidence.

Labcorp Genetics (formerly Invitae), Labcorp
Classification: Uncertain significance for Neuroblastoma, susceptibility to, 3. Last evaluated: 2025-11-24. Review status: criteria provided, single submitter. Criteria: Invitae Variant Classification Sherloc (09022015). Collection method: clinical testing. Allele origin: germline.
Comment: This sequence change replaces proline, which is neutral and non-polar, with glutamine, which is neutral and polar, at codon 1215 of the ALK protein (p.Pro1215Gln). The frequency data for this variant in the population databases is considered unreliable, as metrics indicate poor data quality at this position in the gnomAD database. This variant has not been reported in the literature in individuals affected with ALK-related conditions. ClinVar contains an entry for this variant (Variation ID: 645965). An algorithm developed to predict the effect of missense changes on protein structure and function (PolyPhen-2) suggests that this variant is likely to be disruptive. In summary, the available evidence is currently insufficient to determine the role of this variant in disease. Therefore, it has been classified as a Variant of Uncertain Significance.

Ambry Genetics
Classification: Uncertain significance for Hereditary cancer-predisposing syndrome. Last evaluated: 2024-02-22. Review status: criteria provided, single submitter. Criteria: Ambry Variant Classification Scheme 2023. Collection method: clinical testing. Allele origin: germline.
Comment: The p.P1215Q variant (also known as c.3644C>A), located in coding exon 23 of the ALK gene, results from a C to A substitution at nucleotide position 3644. The proline at codon 1215 is replaced by glutamine, an amino acid with similar properties. This amino acid position is not well conserved in available vertebrate species. In addition, the in silico prediction for this alteration is inconclusive. Since supporting evidence is limited at this time, the clinical significance of this alteration remains unclear.

NM_004304.5(ALK):c.3644C>A (p.Pro1215Gln)

Gene: ALK (ALK receptor tyrosine kinase; minus strand). Cytogenetic location: 2p23.2.
Variant type: single nucleotide variant.
Coding change: c.3644C>A on transcript NM_004304.5 (MANE Select); coding-DNA position 3644, C replaced by A.
Protein change: p.Pro1215Gln; replaces proline 1215 with glutamine.
Molecular consequence: missense variant.
Genome position (GRCh38, 1-based): chr2:29,220,707, G>T on the plus strand (C>A on the coding strand, the complement: ALK is on the minus strand). VCF-style: chr2-29220707-G-T. GRCh37 (hg19) VCF-style: chr2-29443573-G-T.
Other names: c.440C>A, p.Pro147Gln (NM_001353765.2); short protein forms P147Q, P1215Q.
Identifiers: ClinVar variation 645965 (VCV000645965.15), dbSNP rs779222532, ClinGen allele CA346472950.